The following is an entry in ClinVar:

ClinVar aggregate classification (germline): Uncertain significance. Review status: criteria provided, multiple submitters, no conflicts (2 of 4 stars). 2 submissions from 2 submitters: Uncertain significance (2). Last evaluated 2023-01-17.

Conditions:
Inborn genetic diseases. Identifiers: MedGen C0950123, MeSH D030342.

Allele frequency attached by ClinVar (database versions not stated): gnomAD 0.00017; gnomAD exomes 0.00017; ExAC 0.00021; TOPMed 0.00023; ESP Exome Variant Server 0.00038.

Submissions (2):

Ambry Genetics
Classification: Uncertain significance for Inborn genetic diseases. Last evaluated: 2023-01-17. Review status: criteria provided, single submitter. Criteria: Ambry Variant Classification Scheme 2023. Collection method: clinical testing. Allele origin: germline.

Labcorp Genetics (formerly Invitae), Labcorp
Classification: Uncertain significance. Last evaluated: 2022-08-02. Review status: criteria provided, single submitter. Criteria: Invitae Variant Classification Sherloc (09022015). Collection method: clinical testing. Allele origin: germline.
Comment: This sequence change replaces serine, which is neutral and polar, with asparagine, which is neutral and polar, at codon 189 of the NUP107 protein (p.Ser189Asn). This variant is present in population databases (rs201378399, gnomAD 0.05%). This variant has not been reported in the literature in individuals affected with NUP107-related conditions. Algorithms developed to predict the effect of missense changes on protein structure and function output the following: SIFT: "Not Available"; PolyPhen-2: "Benign"; Align-GVGD: "Not Available". The asparagine amino acid residue is found in multiple mammalian species, which suggests that this missense change does not adversely affect protein function. In summary, the available evidence is currently insufficient to determine the role of this variant in disease. Therefore, it has been classified as a Variant of Uncertain Significance.

NM_020401.4(NUP107):c.566G>A (p.Ser189Asn)

Gene: NUP107 (nucleoporin 107; plus strand). Cytogenetic location: 12q15.
Variant type: single nucleotide variant.
Coding change: c.566G>A on transcript NM_020401.4 (MANE Select); coding-DNA position 566, G replaced by A.
Protein change: p.Ser189Asn; replaces serine 189 with asparagine.
Molecular consequence: missense variant.
Genome position (GRCh38, 1-based): chr12:68,700,739, G>A. VCF-style: chr12-68700739-G-A. GRCh37 (hg19) VCF-style: chr12-69094519-G-A.
Other names: c.479G>A, p.Ser160Asn (NM_001330192.2); c.566G>A (NM_020401.2); short protein forms S189N, S160N.
Identifiers: ClinVar variation 2039673 (VCV002039673.3), dbSNP rs201378399, ClinGen allele CA6677492.